The following is an entry in ClinVar:

NM_024537.4(CARS2):c.122C>T (p.Ala41Val)

Genes: CARS2 (cysteinyl-tRNA synthetase 2, mitochondrial; minus strand), LOC130010127 (ATAC-STARR-seq lymphoblastoid silent region 5509; plus strand). Cytogenetic location: 13q34.
Variant type: single nucleotide variant.
Coding change: c.122C>T on transcript NM_024537.4 (MANE Select); coding-DNA position 122, C replaced by T.
Protein change: p.Ala41Val; replaces alanine 41 with valine.
Molecular consequence: missense variant. On other transcripts: non-coding transcript variant (1), intron variant (1).
Genome position (GRCh38, 1-based): chr13:110,705,972, G>A on the plus strand (C>T on the coding strand, the complement: CARS2 is on the minus strand). VCF-style: chr13-110705972-G-A. GRCh37 (hg19) VCF-style: chr13-111358319-G-A.
Other names: c.122C>T, p.Ala41Val (NM_001352253.3); c.-776+399C>T (NM_001352252.2); short protein forms A41V.
Identifiers: ClinVar variation 475617 (VCV000475617.44), dbSNP rs371950209, ClinGen allele CA7052401.
Genomic context (GRCh38, chr13:110,705,972, plus strand): 5'-CTCCCGGTGAGGCTGTTGTACACCTGCACACCCGTCTCCCGGCCCGTGGGCTGCAGCCAG[G>A]CCCGCCCGCGCCCCCCGCTCGCCGCCCGGCCCGCAGGCCAGTGCCACCCAGCCCGCCCAA-3'
Protein context (NP_078813.1, residues 31-51): GRAASGGRGR[Ala41Val]WLQPTGRETG

ClinVar aggregate classification (germline): Likely benign. Review status: criteria provided, multiple submitters, no conflicts (2 of 4 stars). 5 submissions from 5 submitters: Likely benign (4). 1 of the submissions does not count toward it. Last evaluated 2026-01-12.

Conditions:
Inborn genetic diseases. Identifiers: MedGen C0950123, MeSH D030342.
Combined oxidative phosphorylation defect type 27. Also called: Combined oxidative phosphorylation deficiency 27. Identifiers: Orphanet 477774, MedGen C5567608, MONDO:0014728, OMIM 616672.
CARS2-related disorder. Also called: CARS2-related condition.

Allele frequency attached by ClinVar (database versions not stated): gnomAD exomes 0.00022; ExAC 0.00045; 1000 Genomes Project 30x 0.00062; ESP Exome Variant Server 0.00076; gnomAD 0.00077 and 0.00081; TOPMed 0.00082.
gnomAD v4.1: 242 of 1,515,726 alleles (0.016%); highest among the groups gnomAD compares: African/African-American, 0.29%; 4 homozygotes.

Submissions (5):

Labcorp Genetics (formerly Invitae), Labcorp
Classification: Likely benign for Combined oxidative phosphorylation defect type 27. Last evaluated: 2026-01-12. Review status: criteria provided, single submitter. Criteria: Invitae Variant Classification Sherloc (09022015). Collection method: clinical testing. Allele origin: germline.

Ambry Genetics
Classification: Likely benign for Inborn genetic diseases. Last evaluated: 2024-10-20. Review status: criteria provided, single submitter. Criteria: Ambry Variant Classification Scheme 2023. Collection method: clinical testing. Allele origin: germline.

CeGaT Center for Human Genetics Tuebingen
Classification: Likely benign. Last evaluated: 2022-10-01. Review status: criteria provided, single submitter. Criteria: CeGaT Center For Human Genetics Tuebingen Variant Classification Criteria Version 2. Collection method: clinical testing. Allele origin: germline. Affected: yes. Observed: 1 variant allele.
Comment: CARS2: BS1

GeneDx
Classification: Likely benign. Last evaluated: 2021-03-31. Review status: criteria provided, single submitter. Criteria: GeneDx Variant Classification Process June 2021. Collection method: clinical testing. Allele origin: germline. Affected: yes.
Comment: Has not been previously published as pathogenic or benign to our knowledge

PreventionGenetics, part of Exact Sciences
Classification: Likely benign for CARS2-related condition. Last evaluated: 2023-10-17. Review status: no assertion criteria provided. Collection method: clinical testing. Allele origin: germline. Not counted in ClinVar's aggregate classification.
Comment: This variant is classified as likely benign based on ACMG/AMP sequence variant interpretation guidelines (Richards et al. 2015 PMID: 25741868, with internal and published modifications).